The following is an entry in ClinVar:

NM_000021.4(PSEN1):c.1034A>G (p.Asp345Gly)

Gene: PSEN1 (presenilin 1; plus strand). Cytogenetic location: 14q24.2.
Variant type: single nucleotide variant.
Coding change: c.1034A>G on transcript NM_000021.4 (MANE Select); coding-DNA position 1034, A replaced by G.
Protein change: p.Asp345Gly; replaces aspartic acid 345 with glycine.
Molecular consequence: missense variant.
Genome position (GRCh38, 1-based): chr14:73,211,847, A>G. VCF-style: chr14-73211847-A-G. GRCh37 (hg19) VCF-style: chr14-73678555-A-G.
Other names: c.1022A>G, p.Asp341Gly (NM_007318.3); short protein forms D345G, D341G.
Identifiers: ClinVar variation 965986 (VCV000965986.10), dbSNP rs1018763711, ClinGen allele CA262618707.

ClinVar aggregate classification (germline): Uncertain significance (1 of 4 stars; one submission).

Conditions:
Alzheimer disease 3 (AD3). Also called: ALZHEIMER DISEASE, FAMILIAL, 3. Identifiers: Orphanet 1020, MedGen C1843013, MONDO:0011913, OMIM 607822.
Frontotemporal dementia (FTD1). Also called: WILHELMSEN-LYNCH DISEASE; MULTIPLE SYSTEM TAUOPATHY WITH PRESENILE DEMENTIA; FRONTOTEMPORAL LOBAR DEGENERATION WITH TAU INCLUSIONS; FTLD WITH TAU INCLUSIONS; Frontotemporal lobe dementia (FLDEM); Dementia, frontotemporal, with or without parkinsonism. Identifiers: Orphanet 282, MedGen C0338451, MONDO:0017276, OMIM 600274, HP:0002145.
Pick disease. Also called: LOBAR ATROPHY OF BRAIN; PICK DISEASE OF BRAIN; DEMENTIA WITH LOBAR ATROPHY AND NEURONAL CYTOPLASMIC INCLUSIONS; Pick's disease; Pick Disease of the Brain. Identifiers: Orphanet 282, MedGen C0236642, MONDO:0008243, OMIM 172700.
Acne inversa, familial, 3 (ACNINV3). Identifiers: MedGen C3151038, MONDO:0013398, OMIM 613737.

Allele frequency attached by ClinVar (database versions not stated): gnomAD 0.00001; gnomAD exomes 0.00001; TOPMed 0.00001.
gnomAD v4.1: 22 of 1,613,140 alleles (0.0014%); highest among the groups gnomAD compares: Non-Finnish European, 0.0019%; no homozygotes.

Submission:

Labcorp Genetics (formerly Invitae), Labcorp
Classification: Uncertain significance for Alzheimer disease 3; Pick disease; Acne inversa, familial, 3; Frontotemporal dementia. Last evaluated: 2022-08-15. Review status: criteria provided, single submitter. Criteria: Invitae Variant Classification Sherloc (09022015). Collection method: clinical testing. Allele origin: germline.
Comment: This variant has not been reported in the literature in individuals affected with PSEN1-related conditions. In summary, the available evidence is currently insufficient to determine the role of this variant in disease. Therefore, it has been classified as a Variant of Uncertain Significance. Algorithms developed to predict the effect of missense changes on protein structure and function are either unavailable or do not agree on the potential impact of this missense change (SIFT: "Tolerated"; PolyPhen-2: "Possibly Damaging"; Align-GVGD: "Class C0"). ClinVar contains an entry for this variant (Variation ID: 965986). This variant is present in population databases (no rsID available, gnomAD 0.002%). This sequence change replaces aspartic acid, which is acidic and polar, with glycine, which is neutral and non-polar, at codon 345 of the PSEN1 protein (p.Asp345Gly).